The following is an entry in ClinVar:

ClinVar aggregate classification (germline): Pathogenic (1 of 4 stars; one submission).

Conditions:
Galactosylceramide beta-galactosidase deficiency. Also called: Krabbe Disease; Leukodystrophy, Globoid Cell; GALACTOCEREBROSIDASE DEFICIENCY; GALC DEFICIENCY; GLOBOID CELL LEUKOENCEPHALOPATHY. Identifiers: Orphanet 487, MedGen C0023521, MONDO:0009499, OMIM 245200.

Submission:

Labcorp Genetics (formerly Invitae), Labcorp
Classification: Pathogenic for Galactosylceramide beta-galactosidase deficiency. Last evaluated: 2019-01-28. Review status: criteria provided, single submitter. Criteria: Invitae Variant Classification Sherloc (09022015). Collection method: clinical testing. Allele origin: germline.
Comment: This variant is a gross deletion of the genomic region encompassing exons 11-17 of the GALC gene (c.1162-6082_*9573del). While it is not anticipated to result in nonsense mediated decay, it is expected to create a truncated protein product or disrupt mRNA translation. Loss-of-function variants in GALC are known to be pathogenic. This particular variant is consistent with the well known 30kb deletion, which is the most common cause of Krabbe disease in the European population, found in more than 30% of affected individuals investigated and at a frequency of 0.2% in a sample of 2,330 control European individuals (PMID: 7581365, 22073273, 26795590). This variant has been associated with an increased risk for primary open-angle glaucoma, but the clinical relevance of this finding is unclear (PMID: 22073273). For these reasons, this variant has been classified as Pathogenic.

Literature cited by the submitters: PubMed 7581365; PubMed 22073273; PubMed 26795590.

NC_000014.8:g.(?_88391504)_88423174del

Gene: GALC (galactosylceramidase; minus strand).
Variant type: Deletion.
Identifiers: ClinVar variation 1070141 (VCV001070141.2).